The following is an entry in ClinVar:

ClinVar aggregate classification (germline): Conflicting classifications of pathogenicity. Review status: criteria provided, conflicting classifications (1 of 4 stars). 2 submissions from 2 submitters: Uncertain significance (1); Likely benign (1). Last evaluated 2025-06-17.

Conditions:
Inborn genetic diseases. Identifiers: MedGen C0950123, MeSH D030342.
Cardiac malformation, cleft lip/palate, microcephaly, and digital anomalies. Also called: CLEFT PALATE, CARDIAC DEFECTS, AND IMPAIRED INTELLECTUAL DEVELOPMENT. Identifiers: MedGen C1832950, MONDO:0010970, OMIM 600987.

Allele frequency attached by ClinVar (database versions not stated): TOPMed 0.00003; gnomAD 0.00004.
gnomAD v4.1: 69 of 1,613,942 alleles (0.0043%); highest among the groups gnomAD compares: Non-Finnish European, 0.0056%; no homozygotes.

Submissions (2):

Ambry Genetics
Classification: Likely benign for Inborn genetic diseases. Last evaluated: 2025-06-17. Review status: criteria provided, single submitter. Criteria: Ambry Variant Classification Scheme 2023. Collection method: clinical testing. Allele origin: germline.

Labcorp Genetics (formerly Invitae), Labcorp
Classification: Uncertain significance for Cardiac malformation, cleft lip/palate, microcephaly, and digital anomalies. Last evaluated: 2021-09-08. Review status: criteria provided, single submitter. Criteria: Invitae Variant Classification Sherloc (09022015). Collection method: clinical testing. Allele origin: germline.
Comment: This sequence change replaces methionine with leucine at codon 370 of the MEIS2 protein (p.Met370Leu). The methionine residue is moderately conserved and there is a small physicochemical difference between methionine and leucine. This variant is present in population databases (rs534636474, ExAC 0.003%). This variant has not been reported in the literature in individuals affected with MEIS2-related conditions. Algorithms developed to predict the effect of missense changes on protein structure and function (SIFT, PolyPhen-2, Align-GVGD) all suggest that this variant is likely to be tolerated. In summary, the available evidence is currently insufficient to determine the role of this variant in disease. Therefore, it has been classified as a Variant of Uncertain Significance.

NM_170675.5(MEIS2):c.1129A>C (p.Met377Leu)

Gene: MEIS2 (Meis homeobox 2; minus strand). Cytogenetic location: 15q14.
Variant type: single nucleotide variant.
Coding change: c.1129A>C on transcript NM_170675.5 (MANE Select); coding-DNA position 1129, A replaced by C.
Protein change: p.Met377Leu; replaces methionine 377 with leucine.
Molecular consequence: missense variant. On other transcripts: non-coding transcript variant (1).
Genome position (GRCh38, 1-based): chr15:36,895,169, T>G on the plus strand (A>C on the coding strand, the complement: MEIS2 is on the minus strand). VCF-style: chr15-36895169-T-G. GRCh37 (hg19) VCF-style: chr15-37187370-T-G.
Other names: c.1129A>C (NM_170675.3); c.1108A>C, p.Met370Leu (NM_001220482.2, NM_170674.5, NM_170676.5); c.1069A>C, p.Met357Leu (NM_002399.4); c.1129A>C, p.Met377Leu (NM_170677.5); c.1090A>C, p.Met364Leu (NM_172315.3); c.844A>C, p.Met282Leu (NM_172316.3); short protein forms M282L, M364L, M370L, M377L, M357L.
Identifiers: ClinVar variation 854177 (VCV000854177.8), dbSNP rs534636474, ClinGen allele CA7469190.